The following is an entry in ClinVar:

ClinVar aggregate classification (germline): Conflicting classifications of pathogenicity. Review status: criteria provided, conflicting classifications (1 of 4 stars). 4 submissions from 4 submitters: Uncertain significance (3); Likely benign (1). Last evaluated 2024-08-11.

Conditions:
Cardiovascular phenotype. Identifiers: MedGen CN230736.
Aortic valve disease 2 (AOVD2). Identifiers: MedGen C3542024, MONDO:0013902, OMIM 614823.
Holt-Oram syndrome (HOS). Also called: TBX5-Related Holt-Oram Syndrome; Ventriculo-radial syndrome; Cardiac-limb syndrome; Heart-hand syndrome, type 1. Identifiers: Orphanet 392, MedGen C0265264, MONDO:0007732, OMIM 142900.

Allele frequency attached by ClinVar (database versions not stated): ExAC 0.00001; gnomAD exomes 0.00001; TOPMed 0.00003; gnomAD 0.00005 and 0.00006.

Submissions (4):

Ambry Genetics
Classification: Uncertain significance for Cardiovascular phenotype. Last evaluated: 2024-08-11. Review status: criteria provided, single submitter. Criteria: Ambry Variant Classification Scheme 2023. Collection method: clinical testing. Allele origin: germline.
Comment: The p.V466M variant (also known as c.1396G>A), located in coding exon 8 of the TBX5 gene, results from a G to A substitution at nucleotide position 1396. The valine at codon 466 is replaced by methionine, an amino acid with highly similar properties. This amino acid position is not well conserved in available vertebrate species. In addition, this alteration is predicted to be tolerated by in silico analysis. Since supporting evidence is limited at this time, the clinical significance of this alteration remains unclear.

Fulgent Genetics
Classification: Uncertain significance for Holt-Oram syndrome. Last evaluated: 2021-10-28. Review status: criteria provided, single submitter. Criteria: ACMG Guidelines, 2015. Collection method: clinical testing. Allele origin: unknown.

Blueprint Genetics
Classification: Likely benign. Last evaluated: 2021-06-03. Review status: criteria provided, single submitter. Criteria: ACMG Guidelines, 2015. Collection method: clinical testing. Allele origin: germline.

Labcorp Genetics (formerly Invitae), Labcorp
Classification: Uncertain significance for Aortic valve disease 2. Last evaluated: 2021-03-04. Review status: criteria provided, single submitter. Criteria: Invitae Variant Classification Sherloc (09022015). Collection method: clinical testing. Allele origin: germline.
Comment: This variant is present in population databases (rs765443283, ExAC 0.002%). This sequence change replaces valine with methionine at codon 466 of the TBX5 protein (p.Val466Met). The valine residue is moderately conserved and there is a small physicochemical difference between valine and methionine. This variant has not been reported in the literature in individuals with TBX5-related conditions. Advanced modeling of protein sequence and biophysical properties (such as structural, functional, and spatial information, amino acid conservation, physicochemical variation, residue mobility, and thermodynamic stability) performed at Invitae indicates that this missense variant is not expected to disrupt TBX5 protein function. In summary, the available evidence is currently insufficient to determine the role of this variant in disease. Therefore, it has been classified as a Variant of Uncertain Significance.

NM_181486.4(TBX5):c.1396G>A (p.Val466Met)

Gene: TBX5 (T-box transcription factor 5; minus strand). Cytogenetic location: 12q24.21.
Variant type: single nucleotide variant.
Coding change: c.1396G>A on transcript NM_181486.4 (MANE Select); coding-DNA position 1396, G replaced by A.
Protein change: p.Val466Met; replaces valine 466 with methionine.
Molecular consequence: missense variant.
Genome position (GRCh38, 1-based): chr12:114,355,693, C>T on the plus strand (G>A on the coding strand, the complement: TBX5 is on the minus strand). VCF-style: chr12-114355693-C-T. GRCh37 (hg19) VCF-style: chr12-114793498-C-T.
Other names: c.1396G>A, p.Val466Met (NM_000192.3); c.1246G>A, p.Val416Met (NM_080717.4); short protein forms V416M, V466M.
Identifiers: ClinVar variation 1404558 (VCV001404558.13), dbSNP rs765443283, ClinGen allele CA6809346.
Genomic context (GRCh38, chr12:114,355,693, plus strand): 5'-CAGGGGGCTGAAGGGTGCCAGGGGACTGCAGGCCAGTCTGAGGCCCACACTGCCTGACCA[C>T]AGGCTGGTGGGCCACGGAGGTCTGGTGCTGGAACATTCCCTCTCCCAGCTGTGGGGAGCC-3'
Protein context (NP_852259.1, residues 456-476): QHQTSVAHQP[Val466Met]VRQCGPQTGL